The following is an entry in ClinVar:

NM_012280.4(FTSJ1):c.695T>C (p.Ile232Thr)

Gene: FTSJ1 (FtsJ RNA 2'-O-methyltransferase 1; plus strand). Cytogenetic location: Xp11.23.
Variant type: single nucleotide variant.
Coding change: c.695T>C on transcript NM_012280.4 (MANE Select); coding-DNA position 695, T replaced by C.
Protein change: p.Ile232Thr; replaces isoleucine 232 with threonine.
Molecular consequence: missense variant.
Genome position (GRCh38, 1-based): chrX:48,482,442, T>C. VCF-style: chrX-48482442-T-C. GRCh37 (hg19) VCF-style: chrX-48340830-T-C.
Other names: c.284T>C, p.Ile95Thr (NM_001282157.2); c.689T>C, p.Ile230Thr (NM_177439.3); short protein forms I230T, I232T, I95T.
Identifiers: ClinVar variation 2635644 (VCV002635644.2), dbSNP rs376210614, ClinGen allele CA10402619.
Genomic context (GRCh38, chrX:48,482,442, plus strand): 5'-TTGTCTCCCCCTGTTCCTAAGACCCAGATTTCAACCAGCTGGATGGTCCCACCCGCATCA[T>C]TGTGCCTTTTGTGACCTGTGGGGACCTGAGCTCCTATGATTCGGACCGCAGTTACCCACT-3'
Protein context (NP_036412.1, residues 222-242): FNQLDGPTRI[Ile232Thr]VPFVTCGDLS

ClinVar aggregate classification (germline): Uncertain significance. Review status: criteria provided, multiple submitters, no conflicts (2 of 4 stars). 2 submissions from 2 submitters: Uncertain significance (2). Last evaluated 2024-05-06.

Conditions:
FTSJ1-related disorder. Also called: FTSJ1-related condition.

Allele frequency attached by ClinVar (database versions not stated): ExAC 0.00001; TOPMed 0.00001; ESP Exome Variant Server 0.00009.

Submissions (2):

GeneDx
Classification: Uncertain significance. Last evaluated: 2024-05-06. Review status: criteria provided, single submitter. Criteria: GeneDx Variant Classification Process June 2021. Collection method: clinical testing. Allele origin: germline. Affected: yes.
Comment: In silico analysis supports that this missense variant has a deleterious effect on protein structure/function; Has not been previously published as pathogenic or benign to our knowledge

PreventionGenetics, part of Exact Sciences
Classification: Uncertain significance for FTSJ1-related condition. Last evaluated: 2023-06-07. Review status: criteria provided, single submitter. Criteria: ACMG Guidelines, 2015. Collection method: clinical testing. Allele origin: germline.
Comment: The FTSJ1 c.695T>C variant is predicted to result in the amino acid substitution p.Ile232Thr. To our knowledge, this variant has not been reported in the literature. This variant is reported in 0.0012% of alleles in individuals of European (Non-Finnish) descent in gnomAD. At this time, the clinical significance of this variant is uncertain due to the absence of conclusive functional and genetic evidence.